The following is an entry in ClinVar:

NM_004370.6(COL12A1):c.5236A>G (p.Ile1746Val)

Gene: COL12A1 (collagen type XII alpha 1 chain; minus strand). Cytogenetic location: 6q13.
Variant type: single nucleotide variant.
Coding change: c.5236A>G on transcript NM_004370.6 (MANE Select); coding-DNA position 5236, A replaced by G.
Protein change: p.Ile1746Val; replaces isoleucine 1746 with valine.
Molecular consequence: missense variant. On other transcripts: intron variant (1).
Genome position (GRCh38, 1-based): chr6:75,138,335, T>C on the plus strand (A>G on the coding strand, the complement: COL12A1 is on the minus strand). VCF-style: chr6-75138335-T-C. GRCh37 (hg19) VCF-style: chr6-75848051-T-C.
Other names: c.5236A>G, p.Ile1746Val (NM_001424113.1); c.4963A>G, p.Ile1655Val (NM_001424115.1); c.1744A>G, p.Ile582Val (NM_001424116.1, NM_080645.3); c.5230+113A>G (NM_001424114.1); short protein forms I1655V, I1746V, I582V.
Identifiers: ClinVar variation 4793675 (VCV004793675.1).

ClinVar aggregate classification (germline): Uncertain significance (1 of 4 stars; one submission).

Conditions:
Ullrich congenital muscular dystrophy 2 (UCMD2). Identifiers: Orphanet 75840, MedGen C4225314, MONDO:0014654, OMIM 616470.
Bethlem myopathy 2 (BTHLM2). Identifiers: Orphanet 536516, Orphanet 610, MedGen C4225313, MONDO:0034022, OMIM 616471.

gnomAD v4.1: 7 of 1,610,962 alleles (0.00043%); highest among the groups gnomAD compares: Non-Finnish European, 0.00059%; no homozygotes.

Submission:

Labcorp Genetics (formerly Invitae), Labcorp
Classification: Uncertain significance for Bethlem myopathy 2; Ullrich congenital muscular dystrophy 2. Last evaluated: 2025-06-23. Review status: criteria provided, single submitter. Criteria: Invitae Variant Classification Sherloc (09022015). Collection method: clinical testing. Allele origin: germline.
Comment: This sequence change replaces isoleucine, which is neutral and non-polar, with valine, which is neutral and non-polar, at codon 1746 of the COL12A1 protein (p.Ile1746Val). This variant is not present in population databases (gnomAD no frequency). This variant has not been reported in the literature in individuals affected with COL12A1-related conditions. Invitae Evidence Modeling of protein sequence and biophysical properties (such as structural, functional, and spatial information, amino acid conservation, physicochemical variation, residue mobility, and thermodynamic stability) indicates that this missense variant is not expected to disrupt COL12A1 protein function with a negative predictive value of 80%. In summary, the available evidence is currently insufficient to determine the role of this variant in disease. Therefore, it has been classified as a Variant of Uncertain Significance.